The following is an entry in ClinVar:

ClinVar aggregate classification (germline): not provided (0 of 4 stars; one submission).

Allele frequency attached by ClinVar (database versions not stated): 1000 Genomes Project 0.01118; 1000 Genomes Project 30x 0.01124; gnomAD exomes 0.02199; TOPMed 0.02234; gnomAD 0.02309 and 0.02381; ExAC 0.02670.
gnomAD v4.1: 38,007 of 1,227,742 alleles (3.1%); highest among the groups gnomAD compares: Non-Finnish European, 3.7%; 740 homozygotes.

Submission:

ITMI
No classification provided. Condition: AllHighlyPenetrant. Last evaluated: 2013-09-19. Review status: no classification provided. Collection method: reference population. Allele origin: germline.
Comment: Please see associated publication for description of ethnicities

Literature cited by the submitters: PubMed 24728327.

NM_014225.6(PPP2R1A):c.78+113C>T

Gene: PPP2R1A (protein phosphatase 2 scaffold subunit Aalpha; plus strand). Cytogenetic location: 19q13.41.
Variant type: single nucleotide variant.
Coding change: c.78+113C>T on transcript NM_014225.6 (MANE Select); 113 bases into the intron after coding-DNA position 78, C replaced by T.
Molecular consequence: intron variant.
Genome position (GRCh38, 1-based): chr19:52,190,287, C>T. VCF-style: chr19-52190287-C-T. GRCh37 (hg19) VCF-style: chr19-52693540-C-T.
Identifiers: ClinVar variation 133379 (VCV000133379.1), dbSNP rs41275796, ClinGen allele CA156470.